The following is an entry in ClinVar:

ClinVar aggregate classification (germline): Uncertain significance (1 of 4 stars; one submission).

Allele frequency attached by ClinVar (database versions not stated): TOPMed 0.00001.

Submission:

GeneDx
Classification: Uncertain significance. Last evaluated: 2014-02-12. Review status: criteria provided, single submitter. Criteria: GeneDx Variant Classification (06012015). Collection method: clinical testing. Allele origin: germline. Affected: yes.
Comment: Missense variants in the TTN gene are considered 'unclassified' if they are not previously reported in the literature and do not have >1% frequency in the population to be considered a polymorphism. Research indicates that truncating mutations in the TTN gene are expected to account for approximately 25% of familial and 18% of sporadic idiopathic DCM; however, truncating variants in the TTN gene have been reported in approximately 3% of reported control alleles. There has been little investigation into non-truncating variants. (Herman D et al. Truncations of titin causing dilated cardiomyopathy. N Eng J Med 366:619-628, 2012) The variant is found in DCM-CRDM panel(s).

NM_001267550.2(TTN):c.78095G>T (p.Arg26032Ile)

Genes: TTN (titin; minus strand), TTN-AS1 (TTN antisense RNA 1; plus strand). Cytogenetic location: 2q31.2.
Variant type: single nucleotide variant.
Coding change: c.78095G>T on transcript NM_001267550.2 (MANE Select); coding-DNA position 78095, G replaced by T.
Protein change: p.Arg26032Ile; replaces arginine 26032 with isoleucine.
Molecular consequence: missense variant.
Genome position (GRCh38, 1-based): chr2:178,568,037, C>A on the plus strand (G>T on the coding strand, the complement: TTN is on the minus strand). VCF-style: chr2-178568037-C-A. GRCh37 (hg19) VCF-style: chr2-179432764-C-A.
Other names: p.R24391I:AGA>ATA; c.51476G>T, p.Arg17159Ile (NM_133437.4); c.73172G>T, p.Arg24391Ile (NM_001256850.1); c.50900G>T, p.Arg16967Ile (NM_003319.4); c.70391G>T, p.Arg23464Ile (NM_133378.4); c.51275G>T, p.Arg17092Ile (NM_133432.3); short protein forms R24391I, R26032I, R17159I, R23464I, R16967I, R17092I.
Identifiers: ClinVar variation 202885 (VCV000202885.2), dbSNP rs794729507, ClinGen allele CA310587.